The following is an entry in ClinVar:

NM_133433.4(NIPBL):c.781T>G (p.Ser261Ala)

Gene: NIPBL (NIPBL cohesin loading factor; plus strand). Cytogenetic location: 5p13.2.
Variant type: single nucleotide variant.
Coding change: c.781T>G on transcript NM_133433.4 (MANE Select); coding-DNA position 781, T replaced by G.
Protein change: p.Ser261Ala; replaces serine 261 with alanine.
Molecular consequence: missense variant.
Genome position (GRCh38, 1-based): chr5:36,971,954, T>G. VCF-style: chr5-36971954-T-G. GRCh37 (hg19) VCF-style: chr5-36972056-T-G.
Other names: c.781T>G, p.Ser261Ala (NM_015384.5); short protein forms S261A.
Identifiers: ClinVar variation 159237 (VCV000159237.61), dbSNP rs16903425, ClinGen allele CA172755.
Genomic context (GRCh38, chr5:36,971,954, plus strand): 5'-TATAAAGCCTCTCCTGTCATTCAAAAGATAAATTGTATACTCTATTTTTAGGATGGAGAT[T>G]CTTCAACAATGAGGAATGCTGCATCTTTTCCCTTGAGATCTCCACAGCCAGTATGCTCCC-3'
Protein context (NP_597677.2, residues 251-271): VHRLSSDDGD[Ser261Ala]STMRNAASFP

ClinVar aggregate classification (germline): Benign. Review status: criteria provided, multiple submitters, no conflicts (2 of 4 stars). 7 submissions from 7 submitters: Benign (7). Last evaluated 2026-02-01.

Conditions:
Inborn genetic diseases. Identifiers: MedGen C0950123, MeSH D030342.
Cornelia de Lange syndrome 1 (CDLS1). Also called: Brachmann de Lange syndrome; NIPBL-Related Cornelia de Lange Syndrome; TYPUS DEGENERATIVUS AMSTELODAMENSIS. Identifiers: Orphanet 199, MedGen C4551851, MONDO:0007387, OMIM 122470.

Allele frequency attached by ClinVar (database versions not stated): gnomAD exomes 0.00128; ExAC 0.00459; 1000 Genomes Project 0.01378; gnomAD 0.01412 and 0.01529; 1000 Genomes Project 30x 0.01421; TOPMed 0.01574; ESP Exome Variant Server 0.01768.
gnomAD v4.1: 4,109 of 1,612,812 alleles (0.25%); highest among the groups gnomAD compares: African/African-American, 5%; 102 homozygotes.

Submissions (7):

Labcorp Genetics (formerly Invitae), Labcorp
Classification: Benign for Cornelia de Lange syndrome 1. Last evaluated: 2026-02-01. Review status: criteria provided, single submitter. Criteria: Invitae Variant Classification Sherloc (09022015). Collection method: clinical testing. Allele origin: germline.

Genome-Nilou Lab
Classification: Benign for Cornelia de Lange syndrome 1. Last evaluated: 2021-07-15. Review status: criteria provided, single submitter. Criteria: ACMG Guidelines, 2015. Collection method: clinical testing. Allele origin: germline. Affected: no.

Illumina Laboratory Services, Illumina
Classification: Benign for Cornelia de Lange syndrome 1. Last evaluated: 2018-01-13. Review status: criteria provided, single submitter. Criteria: ICSL Variant Classification Criteria 13 December 2019. Collection method: clinical testing. Allele origin: germline.
Comment: This variant was observed in the ICSL laboratory as part of a predisposition screen in an ostensibly healthy population. It had not been previously curated by ICSL or reported in the Human Gene Mutation Database (HGMD: prior to June 1st, 2018), and was therefore a candidate for classification through an automated scoring system. Utilizing variant allele frequency, disease prevalence and penetrance estimates, and inheritance mode, an automated score was calculated to assess if this variant is too frequent to cause the disease. Based on the score and internal cut-off values, a variant classified as benign is not then subjected to further curation. The score for this variant resulted in a classification of benign for this disease.

GeneDx
Classification: Benign. Last evaluated: 2016-12-07. Review status: criteria provided, single submitter. Criteria: GeneDx Variant Classification (06012015). Collection method: clinical testing. Allele origin: germline. Affected: yes.
Comment: This variant is considered likely benign or benign based on one or more of the following criteria: it is a conservative change, it occurs at a poorly conserved position in the protein, it is predicted to be benign by multiple in silico algorithms, and/or has population frequency not consistent with disease.

Ambry Genetics
Classification: Benign for Inborn genetic diseases. Last evaluated: 2016-04-15. Review status: criteria provided, single submitter. Criteria: Ambry Variant Classification Scheme 2023. Collection method: clinical testing. Allele origin: germline.

Genetic Services Laboratory, University of Chicago
Classification: Benign. Last evaluated: 2013-02-08. Review status: criteria provided, single submitter. Criteria: ACMG Guidelines, 2007. Collection method: clinical testing. Allele origin: germline. Inheritance: Autosomal dominant inheritance.

Breakthrough Genomics
Classification: Benign. Review status: criteria provided, single submitter. Criteria: ACMG Guidelines, 2015. Collection method: not provided. Allele origin: germline. Inheritance: Autosomal dominant inheritance. Affected: yes.